The following is an entry in ClinVar:

NM_001267550.2(TTN):c.7058-2A>G

Genes: TTN (titin; minus strand), LOC126806433 (BRD4-independent group 4 enhancer GRCh37_chr2:179638309-179639508; plus strand). Cytogenetic location: 2q31.2.
Variant type: single nucleotide variant.
Coding change: c.7058-2A>G on transcript NM_001267550.2 (MANE Select); the canonical splice acceptor site of the intron before coding-DNA position 7058, A replaced by G.
Molecular consequence: splice acceptor variant.
Genome position (GRCh38, 1-based): chr2:178,774,112, T>C on the plus strand (A>G on the coding strand, the complement: TTN is on the minus strand). VCF-style: chr2-178774112-T-C. GRCh37 (hg19) VCF-style: chr2-179638839-T-C.
Other names: c.6920-2A>G (NM_003319.4, NM_133437.4, NM_133432.3); c.7058-2A>G (NM_133378.4, NM_001256850.1, NM_133379.5).
Identifiers: ClinVar variation 1756173 (VCV001756173.2), dbSNP rs2532710823, ClinGen allele CA349681112.

ClinVar aggregate classification (germline): Uncertain significance (1 of 4 stars; one submission).

Conditions:
Cardiovascular phenotype. Identifiers: MedGen CN230736.

Submission:

Ambry Genetics
Classification: Uncertain significance for Cardiovascular phenotype. Last evaluated: 2022-01-26. Review status: criteria provided, single submitter. Criteria: Ambry Variant Classification Scheme 2023. Collection method: clinical testing. Allele origin: germline.
Comment: The c.6920-2A>G intronic variant results from an A to G substitution two nucleotides upstream from coding exon 29 in the TTN gene. Exon 29 is located in the I-band region of the N2-B isoform of the titin protein and is constitutively expressed in TTN transcripts (percent spliced in or PSI 100%). This variant was reported in a peripartum cardiomyopathy cohort; however, clinical details were limited (Goli R et al. Circulation, 2021 05;143:1852-1862). In silico splice site analysis predicts that this alteration will weaken the native splice acceptor site and will result in the creation or strengthening of a novel splice acceptor site. This alteration disrupts the canonical splice site and is expected to cause aberrant splicing. However, although direct evidence is unavailable, this alteration is predicted to result in an in-frame transcript that is not expected to trigger nonsense-mediated mRNA decay. The exact functional effect of the predicted splice impact is unknown. Since supporting evidence is limited at this time, the clinical significance of this alteration remains unclear.

Literature cited by the submitters: PubMed 33874732.